The following is an entry in ClinVar:

ClinVar aggregate classification (germline): Conflicting classifications of pathogenicity. Review status: criteria provided, conflicting classifications (1 of 4 stars). 2 submissions from 2 submitters: Uncertain significance (1); Likely benign (1). Last evaluated 2026-04-18.

Conditions:
Inborn genetic diseases. Identifiers: MedGen C0950123, MeSH D030342.

Allele frequency attached by ClinVar (database versions not stated): ExAC 0.00002; gnomAD 0.00002.
gnomAD v4.1: 17 of 1,613,962 alleles (0.0011%); highest among the groups gnomAD compares: African/African-American, 0.008%; no homozygotes.

Submissions (2):

Ambry Genetics
Classification: Uncertain significance for Inborn genetic diseases. Last evaluated: 2026-04-18. Review status: criteria provided, single submitter. Criteria: Ambry Variant Classification Scheme 2023. Collection method: clinical testing. Allele origin: germline.
Comment: The p.P66L variant (also known as c.197C>T), located in coding exon 2 of the SERPING1 gene, results from a C to T substitution at nucleotide position 197. The proline at codon 66 is replaced by leucine, an amino acid with similar properties. This amino acid position is conserved. In addition, the in silico prediction for this alteration is inconclusive. Based on the available evidence, the clinical significance of this variant remains unclear.

Blueprint Genetics
Classification: Likely benign. Last evaluated: 2020-09-11. Review status: criteria provided, single submitter. Criteria: ACMG Guidelines, 2015. Collection method: clinical testing. Allele origin: germline.

NM_000062.3(SERPING1):c.197C>T (p.Pro66Leu)

Gene: SERPING1 (serpin family G member 1; plus strand). Cytogenetic location: 11q12.1.
Variant type: single nucleotide variant.
Coding change: c.197C>T on transcript NM_000062.3 (MANE Select); coding-DNA position 197, C replaced by T.
Protein change: p.Pro66Leu; replaces proline 66 with leucine.
Molecular consequence: missense variant.
Genome position (GRCh38, 1-based): chr11:57,600,024, C>T. VCF-style: chr11-57600024-C-T. GRCh37 (hg19) VCF-style: chr11-57367497-C-T.
Other names: c.197C>T, p.Pro66Leu (NM_001032295.2); short protein forms P66L.
Identifiers: ClinVar variation 3160494 (VCV003160494.3), dbSNP rs771637963, ClinGen allele CA6007996.